The following is an entry in ClinVar:

ClinVar aggregate classification (germline): Pathogenic (1 of 4 stars; one submission).

Conditions:
Inborn genetic diseases. Identifiers: MedGen C0950123, MeSH D030342.

Submission:

Ambry Genetics
Classification: Pathogenic for Inborn genetic diseases. Last evaluated: 2025-01-30. Review status: criteria provided, single submitter. Criteria: Ambry Variant Classification Scheme 2023. Collection method: clinical testing. Allele origin: germline.
Comment: The c.280C>T (p.Q94*) alteration, located in exon 2 (coding exon 2) of the GPC3 gene, consists of a C to T substitution at nucleotide position 280. This changes the amino acid from a glutamine (Q) to a stop codon at amino acid position 94. This alteration is expected to result in loss of function by premature protein truncation or nonsense-mediated mRNA decay. This variant was not reported in population-based cohorts in the Genome Aggregation Database (gnomAD). Based on the available evidence, this alteration is classified as pathogenic.

NM_004484.4(GPC3):c.280C>T (p.Gln94Ter)

Gene: GPC3 (glypican 3; minus strand). Cytogenetic location: Xq26.2.
Variant type: single nucleotide variant.
Coding change: c.280C>T on transcript NM_004484.4 (MANE Select); coding-DNA position 280, C replaced by T.
Protein change: p.Gln94Ter; replaces glutamine 94 with a stop codon.
Molecular consequence: nonsense. On other transcripts: intron variant (1).
Genome position (GRCh38, 1-based): chrX:133,953,107, G>A on the plus strand (C>T on the coding strand, the complement: GPC3 is on the minus strand). VCF-style: chrX-133953107-G-A. GRCh37 (hg19) VCF-style: chrX-133087134-G-A.
Other names: c.280C>T, p.Gln94Ter (NM_001164617.2, NM_001164618.2); c.175+32168C>T (NM_001164619.2); short protein forms Q94*.
Identifiers: ClinVar variation 3854932 (VCV003854932.1).